The following is an entry in ClinVar:

ClinVar aggregate classification (germline): Uncertain significance (1 of 4 stars; one submission).

Conditions:
Aortic aneurysm, familial thoracic 4 (AAT4). Also called: AORTIC ANEURYSM/AORTIC DISSECTION AND PATENT DUCTUS ARTERIOSUS. Identifiers: MedGen C1851504, MONDO:0007568, OMIM 132900.

Submission:

Labcorp Genetics (formerly Invitae), Labcorp
Classification: Uncertain significance for Aortic aneurysm, familial thoracic 4. Last evaluated: 2024-06-20. Review status: criteria provided, single submitter. Criteria: Invitae Variant Classification Sherloc (09022015). Collection method: clinical testing. Allele origin: germline.
Comment: This sequence change replaces valine, which is neutral and non-polar, with leucine, which is neutral and non-polar, at codon 996 of the MYH11 protein (p.Val996Leu). This variant is not present in population databases (gnomAD no frequency). This variant has not been reported in the literature in individuals affected with MYH11-related conditions. Advanced modeling of protein sequence and biophysical properties (such as structural, functional, and spatial information, amino acid conservation, physicochemical variation, residue mobility, and thermodynamic stability) performed at Invitae indicates that this missense variant is not expected to disrupt MYH11 protein function with a negative predictive value of 95%. In summary, the available evidence is currently insufficient to determine the role of this variant in disease. Therefore, it has been classified as a Variant of Uncertain Significance.

NM_002474.3(MYH11):c.2965G>C (p.Val989Leu)

Gene: MYH11 (myosin heavy chain 11; minus strand). Cytogenetic location: 16p13.11.
Variant type: single nucleotide variant.
Coding change: c.2965G>C on transcript NM_002474.3 (MANE Select); coding-DNA position 2965, G replaced by C.
Protein change: p.Val989Leu; replaces valine 989 with leucine.
Molecular consequence: missense variant.
Genome position (GRCh38, 1-based): chr16:15,740,083, C>G on the plus strand (G>C on the coding strand, the complement: MYH11 is on the minus strand). VCF-style: chr16-15740083-C-G. GRCh37 (hg19) VCF-style: chr16-15833940-C-G.
Other names: c.2986G>C, p.Val996Leu (NM_001040113.2, NM_001040114.2); c.2965G>C, p.Val989Leu (NM_022844.3); short protein forms V989L, V996L.
Identifiers: ClinVar variation 3699238 (VCV003699238.2).